The following is an entry in ClinVar:

NC_000009.12:g.100586058_100586078del

Gene: CAVIN4 (caveolae associated protein 4; plus strand). Cytogenetic location: 9q31.1.
Variant type: Deletion.
Molecular consequence: inframe deletion (on NM_001018116.2).
Genome position: GRCh38 VCF-style: chr9-100586047-AGAGAGAGGCTAAGGCAGTCAG-A. GRCh37 (hg19) VCF-style: chr9-103348329-AGAGAGAGGCTAAGGCAGTCAG-A.
Other names: c.702_722del, p.234_240LRQSGER[2] (NM_001018116.2); c.702_722del21 (NM_001018116.2); c.702_722delAAGGCAGTCAGGAGAGAGGCT (NM_001018116.2).
Identifiers: ClinVar variation 227559 (VCV000227559.30), dbSNP rs876657508, ClinGen allele CA5160136.
Genomic context (GRCh38, chr9:100,586,047, plus strand): 5'-CGGCAGAATCTTGACAAGAAAGTGAACAGAATTAGAACTAGAATAGTGACCCCGGAGAGG[AGAGAGAGGCTAAGGCAGTCAG>A]GAGAGAGGCTGAGACAGTCAGGGGAGAGGCTGAGACAGTCAGGGGAGAGGTTTAAGAAAT-3'

ClinVar aggregate classification (germline): Likely benign. Review status: criteria provided, multiple submitters, no conflicts (2 of 4 stars). 4 submissions from 4 submitters: Likely benign (3). 1 of the submissions does not count toward it. Last evaluated 2023-04-01.

Conditions:
CAVIN4-related disorder. Also called: CAVIN4-related condition.

Submissions (4):

CeGaT Center for Human Genetics Tuebingen
Classification: Likely benign. Last evaluated: 2023-04-01. Review status: criteria provided, single submitter. Criteria: CeGaT Center For Human Genetics Tuebingen Variant Classification Criteria Version 2. Collection method: clinical testing. Allele origin: germline. Affected: yes. Observed: 1 variant allele.
Comment: CAVIN4: BS2

GeneDx
Classification: Likely benign. Last evaluated: 2021-05-06. Review status: criteria provided, single submitter. Criteria: GeneDx Variant Classification Process June 2021. Collection method: clinical testing. Allele origin: germline. Affected: yes.
Comment: This variant is associated with the following publications: (PMID: 21642240)

Laboratory for Molecular Medicine, Mass General Brigham Personalized Medicine
Classification: Likely benign. Last evaluated: 2015-03-21. Review status: criteria provided, single submitter. Criteria: LMM Criteria. Collection method: clinical testing. Allele origin: germline. Observed: 5 variant alleles.
Comment: p.Leu248_Arg254del in exon 2 of MURC: This variant falls within a 7 amino acid r epeat (LRQSGER) and results in the removal of one repeat unit as compared to the reference sequence. Although it has been reported in three individuals with car diomyopathy (Rodriguez 2011), it is not expected to have clinical significance b ecause it has also been identified in 0.6% (369/66702) of European chromosomes b y the Exome Aggregation Consortium (ExAC). Moreo ver, this region lacks conservation across species, and >5 mammals show a loss o f a single repeat unit within this region.

PreventionGenetics, part of Exact Sciences
Classification: Likely benign for CAVIN4-related condition. Last evaluated: 2023-01-06. Review status: no assertion criteria provided. Collection method: clinical testing. Allele origin: germline. Not counted in ClinVar's aggregate classification.
Comment: This variant is classified as likely benign based on ACMG/AMP sequence variant interpretation guidelines (Richards et al. 2015 PMID: 25741868, with internal and published modifications).

Literature cited by the submitters: PubMed 21642240 (cited by Laboratory for Molecular Medicine, Mass General Brigham Personalized Medicine).